The following is an entry in ClinVar:

NM_000245.4(MET):c.4103T>C (p.Leu1368Pro)

Gene: MET (MET proto-oncogene, receptor tyrosine kinase; plus strand). Cytogenetic location: 7q31.2.
Variant type: single nucleotide variant.
Coding change: c.4103T>C on transcript NM_000245.4 (MANE Select); coding-DNA position 4103, T replaced by C.
Protein change: p.Leu1368Pro; replaces leucine 1368 with proline.
Molecular consequence: missense variant.
Genome position (GRCh38, 1-based): chr7:116,796,054, T>C. VCF-style: chr7-116796054-T-C. GRCh37 (hg19) VCF-style: chr7-116436108-T-C.
Other names: c.4157T>C, p.Leu1386Pro (NM_001127500.3); c.2813T>C, p.Leu938Pro (NM_001324402.2); short protein forms L1368P, L938P, L1386P.
Identifiers: ClinVar variation 1383788 (VCV001383788.6), dbSNP rs2117112993, ClinGen allele CA369118400.

ClinVar aggregate classification (germline): Uncertain significance (1 of 4 stars; one submission).

Conditions:
Renal cell carcinoma. Identifiers: Orphanet 217071, MedGen C0007134, MeSH D002292, MONDO:0005086, HP:0005584.

Submission:

Labcorp Genetics (formerly Invitae), Labcorp
Classification: Uncertain significance for Renal cell carcinoma. Last evaluated: 2022-09-29. Review status: criteria provided, single submitter. Criteria: Invitae Variant Classification Sherloc (09022015). Collection method: clinical testing. Allele origin: germline.
Comment: In summary, the available evidence is currently insufficient to determine the role of this variant in disease. Therefore, it has been classified as a Variant of Uncertain Significance. Algorithms developed to predict the effect of missense changes on protein structure and function are either unavailable or do not agree on the potential impact of this missense change (SIFT: "Deleterious"; PolyPhen-2: "Probably Damaging"; Align-GVGD: "Class C15"). ClinVar contains an entry for this variant (Variation ID: 1383788). This variant has not been reported in the literature in individuals affected with MET-related conditions. This variant is not present in population databases (gnomAD no frequency). This sequence change replaces leucine, which is neutral and non-polar, with proline, which is neutral and non-polar, at codon 1386 of the MET protein (p.Leu1386Pro).